The following is an entry in ClinVar:

ClinVar aggregate classification (germline): Benign (1 of 4 stars; one submission).

gnomAD v4.1: 274,015 of 1,170,780 alleles (23%); highest among the groups gnomAD compares: African/African-American, 78%; 29,981 homozygotes.

Submission:

Unidad de Genómica Garrahan, Hospital de Pediatría Garrahan
Classification: Benign. Last evaluated: 2024-07-31. Review status: criteria provided, single submitter. Criteria: ACMG Guidelines, 2015. Collection method: clinical testing. Allele origin: germline. Affected: no. Observed: 25 variant alleles.
Comment: This variant is classified as Benign based on local population frequency. This variant was detected in 27% of patients studied in a panel designed for Epileptic and Developmental Encephalopathy, Progressive Myoclonus Epilepsy and Abnormal Movements and Neurodegeneration with brain iron accumulation. Number of patients: 25. Only high quality variants are reported.

NM_001367233.3(HEPH):c.168-16T>C

Gene: HEPH (hephaestin; plus strand). Cytogenetic location: Xq12.
Variant type: single nucleotide variant.
Coding change: c.168-16T>C on transcript NM_001367233.3 (MANE Select); 16 bases into the intron before coding-DNA position 168, T replaced by C.
Molecular consequence: intron variant.
Genome position (GRCh38, 1-based): chrX:66,172,339, T>C. VCF-style: chrX-66172339-T-C. GRCh37 (hg19) VCF-style: chrX-65392181-T-C.
Other names: c.168-16T>C (NM_138737.6, NM_001367232.3, NM_001130860.6 and 8 more transcripts); c.-634-16T>C (NM_001367242.2, NM_014799.4).
Identifiers: ClinVar variation 3256823 (VCV003256823.2).